The following is an entry in ClinVar:

NM_001082486.2(ACD):c.1246T>C (p.Tyr416His)

Gene: ACD (ACD shelterin complex subunit and telomerase recruitment factor; minus strand). Cytogenetic location: 16q22.1.
Variant type: single nucleotide variant.
Coding change: c.1246T>C on transcript NM_001082486.2 (MANE Select); coding-DNA position 1246, T replaced by C.
Protein change: p.Tyr416His; replaces tyrosine 416 with histidine.
Molecular consequence: missense variant.
Genome position (GRCh38, 1-based): chr16:67,657,814, A>G on the plus strand (T>C on the coding strand, the complement: ACD is on the minus strand). VCF-style: chr16-67657814-A-G. GRCh37 (hg19) VCF-style: chr16-67691717-A-G.
Other names: c.1159T>C, p.Tyr387His (NM_001410884.1); c.1237T>C, p.Tyr413His (NM_022914.3); short protein forms Y387H, Y413H, Y416H.
Identifiers: ClinVar variation 2562319 (VCV002562319.2), dbSNP rs780478139, ClinGen allele CA8114389.

ClinVar aggregate classification (germline): Uncertain significance (1 of 4 stars; one submission).

Conditions:
Inborn genetic diseases. Identifiers: MedGen C0950123, MeSH D030342.

Allele frequency attached by ClinVar (database versions not stated): TOPMed 0.00001.
gnomAD v4.1: 6 of 1,614,088 alleles (0.00037%); highest among the groups gnomAD compares: Non-Finnish European, 0.00042%; no homozygotes.

Submission:

Ambry Genetics
Classification: Uncertain significance for Inborn genetic diseases. Last evaluated: 2023-05-06. Review status: criteria provided, single submitter. Criteria: Ambry Variant Classification Scheme 2023. Collection method: clinical testing. Allele origin: germline.
Comment: The p.Y502H variant (also known as c.1504T>C), located in coding exon 11 of the ACD gene, results from a T to C substitution at nucleotide position 1504. The tyrosine at codon 502 is replaced by histidine, an amino acid with similar properties. This amino acid position is conserved. In addition, this alteration is predicted to be tolerated by in silico analysis. Since supporting evidence is limited at this time, the clinical significance of this alteration remains unclear.